The following is an entry in ClinVar:

ClinVar aggregate classification (germline): Uncertain significance (1 of 4 stars; one submission).

Conditions:
Familial thoracic aortic aneurysm and aortic dissection (TAAD). Also called: Thoracic aortic aneurysms and dissections. Identifiers: Orphanet 91387, MedGen C4707243, MONDO:0019625.

gnomAD v4.1: 1 of 1,611,954 alleles (0.000062%); highest among the groups gnomAD compares: Non-Finnish European, 0.000085%; no homozygotes.

Submission:

Ambry Genetics
Classification: Uncertain significance for Familial thoracic aortic aneurysm and aortic dissection. Last evaluated: 2024-06-07. Review status: criteria provided, single submitter. Criteria: Ambry Variant Classification Scheme 2023. Collection method: clinical testing. Allele origin: germline.
Comment: The p.N623H variant (also known as c.1867A>C), located in coding exon 11 of the NOTCH1 gene, results from an A to C substitution at nucleotide position 1867. The asparagine at codon 623 is replaced by histidine, an amino acid with similar properties. This amino acid position is conserved. In addition, the in silico prediction for this alteration is inconclusive. Based on the available evidence, the clinical significance of this variant remains unclear.

NM_017617.5(NOTCH1):c.1867A>C (p.Asn623His)

Gene: NOTCH1 (notch receptor 1; minus strand). Cytogenetic location: 9q34.3.
Variant type: single nucleotide variant.
Coding change: c.1867A>C on transcript NM_017617.5 (MANE Select); coding-DNA position 1867, A replaced by C.
Protein change: p.Asn623His; replaces asparagine 623 with histidine.
Molecular consequence: missense variant.
Genome position (GRCh38, 1-based): chr9:136,515,519, T>G on the plus strand (A>C on the coding strand, the complement: NOTCH1 is on the minus strand). VCF-style: chr9-136515519-T-G. GRCh37 (hg19) VCF-style: chr9-139409971-T-G.
Other names: short protein forms N623H.
Identifiers: ClinVar variation 3300474 (VCV003300474.1).